The following is an entry in ClinVar:

ClinVar aggregate classification (germline): Uncertain significance. Review status: criteria provided, multiple submitters, no conflicts (2 of 4 stars). 2 submissions from 2 submitters: Uncertain significance (2). Last evaluated 2026-04-02.

Conditions:
Arterial tortuosity syndrome (ATORS). Identifiers: Orphanet 3342, MedGen C1859726, MONDO:0008818, OMIM 208050.
Familial thoracic aortic aneurysm and aortic dissection (TAAD). Also called: Thoracic aortic aneurysms and dissections. Identifiers: Orphanet 91387, MedGen C4707243, MONDO:0019625.

Allele frequency attached by ClinVar (database versions not stated): gnomAD 0.00001.
gnomAD v4.1: 2 of 1,614,016 alleles (0.00012%); highest among the groups gnomAD compares: African/African-American, 0.0027%; no homozygotes.

Submissions (2):

Ambry Genetics
Classification: Uncertain significance for Familial thoracic aortic aneurysm and aortic dissection. Last evaluated: 2026-04-02. Review status: criteria provided, single submitter. Criteria: Ambry Variant Classification Scheme 2023. Collection method: clinical testing. Allele origin: germline.
Comment: The p.G159A variant (also known as c.476G>C), located in coding exon 2 of the SLC2A10 gene, results from a G to C substitution at nucleotide position 476. The glycine at codon 159 is replaced by alanine, an amino acid with similar properties. This amino acid position is conserved. In addition, this alteration is predicted to be tolerated by in silico analysis. Based on the available evidence, the clinical significance of this variant remains unclear.

Labcorp Genetics (formerly Invitae), Labcorp
Classification: Uncertain significance for Arterial tortuosity syndrome. Last evaluated: 2021-01-03. Review status: criteria provided, single submitter. Criteria: Invitae Variant Classification Sherloc (09022015). Collection method: clinical testing. Allele origin: germline.
Comment: This variant has not been reported in the literature in individuals with SLC2A10-related conditions. In summary, the available evidence is currently insufficient to determine the role of this variant in disease. Therefore, it has been classified as a Variant of Uncertain Significance. Advanced modeling of protein sequence and biophysical properties (such as structural, functional, and spatial information, amino acid conservation, physicochemical variation, residue mobility, and thermodynamic stability) performed at Invitae indicates that this missense variant is not expected to disrupt SLC2A10 protein function. This variant is not present in population databases (ExAC no frequency). This sequence change replaces glycine with alanine at codon 159 of the SLC2A10 protein (p.Gly159Ala). The glycine residue is moderately conserved and there is a small physicochemical difference between glycine and alanine.

NM_030777.4(SLC2A10):c.476G>C (p.Gly159Ala)

Gene: SLC2A10 (solute carrier family 2 member 10; plus strand). Cytogenetic location: 20q13.12.
Variant type: single nucleotide variant.
Coding change: c.476G>C on transcript NM_030777.4 (MANE Select); coding-DNA position 476, G replaced by C.
Protein change: p.Gly159Ala; replaces glycine 159 with alanine.
Molecular consequence: missense variant.
Genome position (GRCh38, 1-based): chr20:46,725,512, G>C. VCF-style: chr20-46725512-G-C. GRCh37 (hg19) VCF-style: chr20-45354151-G-C.
Other names: c.476G>C (NM_030777.3); short protein forms G159A.
Identifiers: ClinVar variation 1461045 (VCV001461045.9), dbSNP rs983582627, ClinGen allele CA315755686.
Genomic context (GRCh38, chr20:46,725,512, plus strand): 5'-ATGAGGCAGGCATCACCGTGGGCATCCTGCTCTCCTATGCCCTCAACTATGCACTGGCTG[G>C]TACCCCCTGGGGATGGAGGCACATGTTCGGCTGGGCCACTGCACCTGCTGTCCTGCAATC-3'
Protein context (NP_110404.1, residues 149-169): LSYALNYALA[Gly159Ala]TPWGWRHMFG